The following is an entry in ClinVar:

NM_000091.5(COL4A3):c.2023A>T (p.Ile675Phe)

Genes: COL4A3 (collagen type IV alpha 3 chain; plus strand), MFF-DT (MFF divergent transcript; minus strand). Cytogenetic location: 2q36.3.
Variant type: single nucleotide variant.
Coding change: c.2023A>T on transcript NM_000091.5 (MANE Select); coding-DNA position 2023, A replaced by T.
Protein change: p.Ile675Phe; replaces isoleucine 675 with phenylalanine.
Molecular consequence: missense variant.
Genome position (GRCh38, 1-based): chr2:227,277,451, A>T. VCF-style: chr2-227277451-A-T. GRCh37 (hg19) VCF-style: chr2-228142167-A-T.
Other names: short protein forms I675F.
Identifiers: ClinVar variation 3620942 (VCV003620942.2).
Genomic context (GRCh38, chr2:227,277,451, plus strand): 5'-AAAATAAGATGAAGGAAAGTTGCTGATGTGGAGATGCATATGTGTATTTGTTTCTAAGGT[A>T]TCCCTGGATCCCTGGGGAAATGTGGAGATCCTGGTCTTCCAGGGCCTGATGGTGAACCAG-3'
Protein context (NP_000082.2, residues 665-685): GHPGPQGPPG[Ile675Phe]PGSLGKCGDP

ClinVar aggregate classification (germline): Uncertain significance (1 of 4 stars; one submission).

gnomAD v4.1: 1 of 1,602,474 alleles (0.000062%); highest among the groups gnomAD compares: African/African-American, 0.0013%; no homozygotes.

Submission:

Labcorp Genetics (formerly Invitae), Labcorp
Classification: Uncertain significance. Last evaluated: 2025-06-12. Review status: criteria provided, single submitter. Criteria: Invitae Variant Classification Sherloc (09022015). Collection method: clinical testing. Allele origin: germline.
Comment: This sequence change replaces isoleucine, which is neutral and non-polar, with phenylalanine, which is neutral and non-polar, at codon 675 of the COL4A3 protein (p.Ile675Phe). This variant is not present in population databases (gnomAD no frequency). This variant has not been reported in the literature in individuals affected with COL4A3-related conditions. ClinVar contains an entry for this variant (Variation ID: 3620942). An algorithm developed to predict the effect of missense changes on protein structure and function outputs the following: PolyPhen-2: "Not Available". The phenylalanine amino acid residue is found in multiple mammalian species, which suggests that this missense change does not adversely affect protein function. In summary, the available evidence is currently insufficient to determine the role of this variant in disease. Therefore, it has been classified as a Variant of Uncertain Significance.